The following is an entry in ClinVar:

ClinVar aggregate classification (germline): Uncertain significance. Review status: criteria provided, multiple submitters, no conflicts (2 of 4 stars). 3 submissions from 3 submitters: Uncertain significance (3). Last evaluated 2024-04-11.

Conditions:
Inborn genetic diseases. Identifiers: MedGen C0950123, MeSH D030342.
Lysinuric protein intolerance (LPI). Identifiers: Orphanet 470, MedGen C0268647, MONDO:0009109, OMIM 222700.

Allele frequency attached by ClinVar (database versions not stated): gnomAD exomes 0.00001; ExAC 0.00002; gnomAD 0.00002; TOPMed 0.00002; ESP Exome Variant Server 0.00008.

Submissions (3):

Fulgent Genetics
Classification: Uncertain significance for Lysinuric protein intolerance. Last evaluated: 2024-04-11. Review status: criteria provided, single submitter. Criteria: ACMG Guidelines, 2015. Collection method: clinical testing. Allele origin: germline.

Labcorp Genetics (formerly Invitae), Labcorp
Classification: Uncertain significance for Lysinuric protein intolerance. Last evaluated: 2022-06-17. Review status: criteria provided, single submitter. Criteria: Invitae Variant Classification Sherloc (09022015). Collection method: clinical testing. Allele origin: germline.
Comment: This sequence change replaces isoleucine, which is neutral and non-polar, with valine, which is neutral and non-polar, at codon 449 of the SLC7A7 protein (p.Ile449Val). This variant is present in population databases (rs150576517, gnomAD 0.01%). This variant has not been reported in the literature in individuals affected with SLC7A7-related conditions. Algorithms developed to predict the effect of missense changes on protein structure and function are either unavailable or do not agree on the potential impact of this missense change (SIFT: "Tolerated"; PolyPhen-2: "Possibly Damaging"; Align-GVGD: "Class C15"). In summary, the available evidence is currently insufficient to determine the role of this variant in disease. Therefore, it has been classified as a Variant of Uncertain Significance.

Ambry Genetics
Classification: Uncertain significance for Inborn genetic diseases. Last evaluated: 2022-06-10. Review status: criteria provided, single submitter. Criteria: Ambry Variant Classification Scheme 2023. Collection method: clinical testing. Allele origin: germline.

NM_003982.4(SLC7A7):c.1345A>G (p.Ile449Val)

Gene: SLC7A7 (solute carrier family 7 member 7; minus strand). Cytogenetic location: 14q11.2.
Variant type: single nucleotide variant.
Coding change: c.1345A>G on transcript NM_003982.4 (MANE Select); coding-DNA position 1345, A replaced by G.
Protein change: p.Ile449Val; replaces isoleucine 449 with valine.
Molecular consequence: missense variant.
Genome position (GRCh38, 1-based): chr14:22,774,017, T>C on the plus strand (A>G on the coding strand, the complement: SLC7A7 is on the minus strand). VCF-style: chr14-22774017-T-C. GRCh37 (hg19) VCF-style: chr14-23243226-T-C.
Other names: c.1345A>G, p.Ile449Val (NM_001126105.3, NM_001126106.4); short protein forms I449V.
Identifiers: ClinVar variation 2144231 (VCV002144231.3), dbSNP rs150576517, ClinGen allele CA7104415.